The following is an entry in ClinVar:

ClinVar aggregate classification (germline): Benign/Likely benign. Review status: criteria provided, multiple submitters, no conflicts (2 of 4 stars). 11 submissions from 11 submitters: Benign (8); Likely benign (1). 2 of the submissions do not count toward it. Last evaluated 2026-01-28.

Conditions:
Developmental and epileptic encephalopathy, 36 (DEE36). Also called: ALG13-CDG; Congenital disorder of glycosylation, type Is; Epileptic encephalopathy, early infantile, 36. Identifiers: Orphanet 324422, MedGen C4317295, MONDO:0010472, OMIM 300884.

Allele frequency attached by ClinVar (database versions not stated): gnomAD exomes 0.00031 and 0.00080; ExAC 0.00116; 1000 Genomes Project 0.00132; 1000 Genomes Project 30x 0.00187; gnomAD 0.00228 and 0.00247; ESP Exome Variant Server 0.00246; TOPMed 0.00304.
gnomAD v4.1: 616 of 1,203,945 alleles (0.051%); highest among the groups gnomAD compares: African/African-American, 0.77%; no homozygotes.

Submissions (11):

Labcorp Genetics (formerly Invitae), Labcorp
Classification: Benign for Developmental and epileptic encephalopathy, 36. Last evaluated: 2026-01-28. Review status: criteria provided, single submitter. Criteria: Invitae Variant Classification Sherloc (09022015). Collection method: clinical testing. Allele origin: germline.

Mayo Clinic Laboratories, Mayo Clinic
Classification: Benign. Last evaluated: 2025-03-11. Review status: criteria provided, single submitter. Criteria: ACMG Guidelines, 2015. Collection method: clinical testing. Allele origin: germline. Observed: 2 variant alleles.
Comment: BA1, BP4, BP7

Blueprint Genetics
Classification: Likely benign. Last evaluated: 2024-11-28. Review status: criteria provided, single submitter. Criteria: ACMG Guidelines, 2015. Collection method: clinical testing. Allele origin: germline.

Genome-Nilou Lab
Classification: Benign for Developmental and epileptic encephalopathy, 36. Last evaluated: 2021-12-05. Review status: criteria provided, single submitter. Criteria: ACMG Guidelines, 2015. Collection method: clinical testing. Allele origin: germline. Affected: no.

Fulgent Genetics
Classification: Benign for Developmental and epileptic encephalopathy, 36. Last evaluated: 2021-08-16. Review status: criteria provided, single submitter. Criteria: ACMG Guidelines, 2015. Collection method: clinical testing. Allele origin: unknown.

Athena Diagnostics
Classification: Benign. Last evaluated: 2019-05-23. Review status: criteria provided, single submitter. Criteria: Athena Diagnostics Criteria. Collection method: clinical testing. Allele origin: germline.

Eurofins Ntd Llc (ga)
Classification: Benign. Last evaluated: 2017-01-12. Review status: criteria provided, single submitter. Criteria: EGL Classification Definitions 2015. Collection method: clinical testing. Allele origin: germline. Observed: 2 variant alleles, 2 heterozygotes.

GeneDx
Classification: Benign. Last evaluated: 2016-05-17. Review status: criteria provided, single submitter. Criteria: GeneDx Variant Classification (06012015). Collection method: clinical testing. Allele origin: germline. Affected: yes.
Comment: This variant is considered likely benign or benign based on one or more of the following criteria: it is a conservative change, it occurs at a poorly conserved position in the protein, it is predicted to be benign by multiple in silico algorithms, and/or has population frequency not consistent with disease.

Breakthrough Genomics
Classification: Benign. Review status: criteria provided, single submitter. Criteria: ACMG Guidelines, 2015. Collection method: not provided. Allele origin: germline. Inheritance: X-linked inheritance. Affected: yes.

Clinical Genetics DNA and cytogenetics Diagnostics Lab, Erasmus MC, Erasmus Medical Center
Classification: Likely benign. Review status: no assertion criteria provided. Collection method: clinical testing. Allele origin: germline. Affected: yes. Study: VKGL Data-share Consensus. Not counted in ClinVar's aggregate classification.

Genome Diagnostics Laboratory, University Medical Center Utrecht
Classification: Likely benign. Review status: no assertion criteria provided. Collection method: clinical testing. Allele origin: germline. Affected: yes. Study: VKGL Data-share Consensus. Not counted in ClinVar's aggregate classification.

NM_001099922.3(ALG13):c.2898T>C (p.Tyr966=)

Gene: ALG13 (ALG13 UDP-N-acetylglucosaminyltransferase subunit; plus strand). Cytogenetic location: Xq23.
Variant type: single nucleotide variant.
Coding change: c.2898T>C on transcript NM_001099922.3 (MANE Select); coding-DNA position 2898, T replaced by C.
Protein change: p.Tyr966=; no amino-acid change (tyrosine 966 retained).
Molecular consequence: synonymous variant. On other transcripts: intron variant (5).
Genome position (GRCh38, 1-based): chrX:111,744,870, T>C. VCF-style: chrX-111744870-T-C. GRCh37 (hg19) VCF-style: chrX-110988098-T-C.
Other names: p.Tyr966=; c.2664T>C, p.Tyr888= (NM_001257231.2); c.2384-7920T>C (NM_001257237.2, NM_001257234.2, NM_001257230.2); c.2210-7920T>C (NM_001324293.1); c.2696-7920T>C (NM_001324292.2).
Identifiers: ClinVar variation 386183 (VCV000386183.23), dbSNP rs368002375, ClinGen allele CA10494002.
Genomic context (GRCh38, chrX:111,744,870, plus strand): 5'-TCTTGATGTGGGAGAGACTTCAAACTTACAACCACCACCACCACTACCACCTCCACCTTA[T>C]TCCTGTGATCCAAGCGGCAGTGATTTGCCTCAAGGTAAGTAGATTTTGAGACTTAGGTGA-3'
Protein context (NP_001093392.1, residues 956-976): QPPPPLPPPP[Tyr966=]SCDPSGSDLP